The following is an entry in ClinVar:

ClinVar aggregate classification (germline): Uncertain significance (1 of 4 stars; one submission).

Submission:

Labcorp Genetics (formerly Invitae), Labcorp
Classification: Uncertain significance. Last evaluated: 2025-11-28. Review status: criteria provided, single submitter. Criteria: Invitae Variant Classification Sherloc (09022015). Collection method: clinical testing. Allele origin: germline.
Comment: This sequence change replaces aspartic acid, which is acidic and polar, with glycine, which is neutral and non-polar, at codon 89 of the ATP6V1E1 protein (p.Asp89Gly). This variant is not present in population databases (gnomAD no frequency). This variant has not been reported in the literature in individuals affected with ATP6V1E1-related conditions. An algorithm developed to predict the effect of missense changes on protein structure and function (PolyPhen-2) suggests that this variant is likely to be tolerated. In summary, the available evidence is currently insufficient to determine the role of this variant in disease. Therefore, it has been classified as a Variant of Uncertain Significance.

NM_001696.4(ATP6V1E1):c.266A>G (p.Asp89Gly)

Gene: ATP6V1E1 (ATPase H+ transporting V1 subunit E1; minus strand). Cytogenetic location: 22q11.21.
Variant type: single nucleotide variant.
Coding change: c.266A>G on transcript NM_001696.4 (MANE Select); coding-DNA position 266, A replaced by G.
Protein change: p.Asp89Gly; replaces aspartic acid 89 with glycine.
Molecular consequence: missense variant.
Genome position (GRCh38, 1-based): chr22:17,612,822, T>C on the plus strand (A>G on the coding strand, the complement: ATP6V1E1 is on the minus strand). VCF-style: chr22-17612822-T-C. GRCh37 (hg19) VCF-style: chr22-18095588-T-C.
Other names: c.200A>G, p.Asp67Gly (NM_001039366.1); c.266A>G, p.Asp89Gly (NM_001039367.1); short protein forms D67G, D89G.
Identifiers: ClinVar variation 4731706 (VCV004731706.1).